The following is an entry in ClinVar:

NM_014112.5(TRPS1):c.1957del (p.Gln653fs)

Gene: TRPS1 (transcriptional repressor GATA binding 1; minus strand). Cytogenetic location: 8q23.3.
Variant type: Deletion.
Coding change: c.1957del on transcript NM_014112.5 (MANE Select); coding-DNA position 1957, one base deleted (C; older notation c.1957delC).
Protein change: p.Gln653fs; shifts the reading frame from glutamine 653.
Molecular consequence: frameshift variant.
Genome position (GRCh38, 1-based): chr8:115,604,012, G deleted on the plus strand (C on the coding strand, the reverse complement: TRPS1 is on the minus strand); the first of 3 consecutive G bases (chr8:115,604,012-115,604,014); deleting any one gives the same sequence. VCF-style (leftmost placement, unchanged base first): chr8-115604011-TG-T. GRCh37 (hg19) VCF-style: chr8-116616238-TG-T.
Other names: c.1930del, p.Gln644fs (NM_001282902.3); c.1936del, p.Gln646fs (NM_001282903.3); c.1918del, p.Gln640fs (NM_001330599.2); short protein forms Q640fs, Q644fs, Q646fs, Q653fs.
Identifiers: ClinVar variation 4851505 (VCV004851505.1).

ClinVar aggregate classification (germline): Likely pathogenic (1 of 4 stars; one submission).

Conditions:
Trichorhinophalangeal dysplasia type I (TRPS1). Also called: TRICHORHINOPHALANGEAL SYNDROME, TYPE I; TRPS I. Identifiers: Orphanet 77258, MedGen C0432233, MONDO:0008596, OMIM 190350.

Submission:

Division of Clinical Genetics, Department of Pediatrics, Seoul National University Children's Hospital
Classification: Likely pathogenic for Trichorhinophalangeal dysplasia type I. Last evaluated: 2026-05-24. Review status: criteria provided, single submitter. Criteria: ACMG Guidelines, 2015. Collection method: clinical testing. Allele origin: germline. Affected: yes.
Comment: TRPS1 loss-of-function variants are an established cause of Trichorhinophalangeal syndrome, type I (TRPS1; OMIM #190350). The variant NM_014112.5:c.1957del is located in exon 4 of TRPS1 and results in a frameshift, predicted to lead to nonsense-mediated mRNA decay or a truncated non-functional protein, qualifying as a null variant (PVS1). This variant is absent from the general population in gnomAD v4.1.1 (PM2). Based on these findings, this variant is classified as Likely Pathogenic according to the ACMG/AMP variant interpretation guidelines (Richards et al., 2015, PMID:25741868).